The following is an entry in ClinVar:

ClinVar aggregate classification (germline): Uncertain significance (1 of 4 stars; one submission).

Conditions:
F8-related disorder. Also called: F8-related condition.

Submission:

PreventionGenetics, part of Exact Sciences
Classification: Uncertain significance for F8-related condition. Last evaluated: 2024-12-10. Review status: criteria provided, single submitter. Criteria: ACMG Guidelines, 2015. Collection method: clinical testing. Allele origin: germline.
Comment: The F8 c.1481T>A variant is predicted to result in the amino acid substitution p.Ile494Asn. This variant is alternatively referred to as p.Ile475Asn using legacy nomenclature. To our knowledge, this variant has not been reported in the literature. However, different missense variants affecting the same amino acid (p.Ile494Ser; p.Ile494Thr) have been reported in individuals with hemophilia A (Table S7, Johnsen et al. 2017. PubMed ID: 29296726; Schwaab et al. 1995. PubMed ID: 8547094). The c.1481T>A (p.Ile494Asn) variant is not reported in a large population database (gnomAD), indicating it is rare. Although we suspect that this variant may be pathogenic, at this time, the clinical significance is uncertain due to the absence of conclusive functional and genetic evidence.

NM_000132.4(F8):c.1481T>A (p.Ile494Asn)

Gene: F8 (coagulation factor VIII; minus strand). Cytogenetic location: Xq28.
Variant type: single nucleotide variant.
Coding change: c.1481T>A on transcript NM_000132.4 (MANE Select); coding-DNA position 1481, T replaced by A.
Protein change: p.Ile494Asn; replaces isoleucine 494 with asparagine.
Molecular consequence: missense variant.
Genome position (GRCh38, 1-based): chrX:154,961,131, A>T on the plus strand (T>A on the coding strand, the complement: F8 is on the minus strand). VCF-style: chrX-154961131-A-T. GRCh37 (hg19) VCF-style: chrX-154189406-A-T.
Other names: short protein forms I494N.
Identifiers: ClinVar variation 4998465 (VCV004998465.1).